The following is an entry in ClinVar:

ClinVar aggregate classification (germline): Uncertain significance (1 of 4 stars; one submission).

Conditions:
Joubert syndrome. Also called: Familial aplasia of the vermis; JOUBERT-BOLTSHAUSER SYNDROME; CEREBELLOPARENCHYMAL DISORDER IV. Identifiers: Orphanet 475, MedGen C5979921, MONDO:0018772.
Orofaciodigital syndrome I (OFD1). Also called: Papillon-Leage and Psaume Syndrome; OFDS I; Oral-Facial-Digital Syndrome Type I. Identifiers: Orphanet 2750, MedGen C1510460, MONDO:0010702, OMIM 311200.

Submission:

Labcorp Genetics (formerly Invitae), Labcorp
Classification: Uncertain significance for Orofaciodigital syndrome I; Joubert syndrome. Last evaluated: 2025-11-01. Review status: criteria provided, single submitter. Criteria: Invitae Variant Classification Sherloc (09022015). Collection method: clinical testing. Allele origin: germline.
Comment: This sequence change replaces glutamine, which is neutral and polar, with glutamic acid, which is acidic and polar, at codon 456 of the OFD1 protein (p.Gln456Glu). This variant is present in population databases (rs746875019, gnomAD 0.03%). This variant has not been reported in the literature in individuals affected with OFD1-related conditions. Invitae Evidence Modeling of protein sequence and biophysical properties (such as structural, functional, and spatial information, amino acid conservation, physicochemical variation, residue mobility, and thermodynamic stability) indicates that this missense variant is not expected to disrupt OFD1 protein function with a negative predictive value of 80%. In summary, the available evidence is currently insufficient to determine the role of this variant in disease. Therefore, it has been classified as a Variant of Uncertain Significance.

NM_003611.3(OFD1):c.1366C>G (p.Gln456Glu)

Gene: OFD1 (OFD1 centriole and centriolar satellite protein; plus strand). Cytogenetic location: Xp22.2.
Variant type: single nucleotide variant.
Coding change: c.1366C>G on transcript NM_003611.3 (MANE Select); coding-DNA position 1366, C replaced by G.
Protein change: p.Gln456Glu; replaces glutamine 456 with glutamic acid.
Molecular consequence: missense variant.
Genome position (GRCh38, 1-based): chrX:13,756,722, C>G. VCF-style: chrX-13756722-C-G. GRCh37 (hg19) VCF-style: chrX-13774841-C-G.
Other names: c.1246C>G, p.Gln416Glu (NM_001330209.2, NM_001440948.1); c.946C>G, p.Gln316Glu (NM_001330210.2); c.1366C>G, p.Gln456Glu (NM_001440947.1); short protein forms Q456E, Q316E, Q416E.
Identifiers: ClinVar variation 4788603 (VCV004788603.1).
Genomic context (GRCh38, chrX:13,756,722, plus strand): 5'-GATTATTCACTACTAAAAGAAGAGAAACTGGAGCTTCTGGCACAAAATAAATTACTTAAA[C>G]AACAACTGGAAGAGAGTAGAAATGAAAACCTGCGTCTCCTAAACCGTATGTATTTTTCTT-3'
Protein context (NP_003602.1, residues 446-466): ELLAQNKLLK[Gln456Glu]QLEESRNENL